The following is an entry in ClinVar:

ClinVar aggregate classification (germline): Uncertain significance. Review status: criteria provided, multiple submitters, no conflicts (2 of 4 stars). 2 submissions from 2 submitters: Uncertain significance (2). Last evaluated 2024-07-26.

gnomAD v4.1: 1 of 1,203,920 alleles (0.000083%); highest among the groups gnomAD compares: Admixed American, 0.0022%; no homozygotes.

Submissions (2):

Labcorp Genetics (formerly Invitae), Labcorp
Classification: Uncertain significance. Last evaluated: 2024-07-26. Review status: criteria provided, single submitter. Criteria: Invitae Variant Classification Sherloc (09022015). Collection method: clinical testing. Allele origin: germline.
Comment: This sequence change replaces alanine, which is neutral and non-polar, with glycine, which is neutral and non-polar, at codon 428 of the STAG2 protein (p.Ala428Gly). This variant is present in population databases (no rsID available, gnomAD 0.004%). This variant has not been reported in the literature in individuals affected with STAG2-related conditions. Advanced modeling of protein sequence and biophysical properties (such as structural, functional, and spatial information, amino acid conservation, physicochemical variation, residue mobility, and thermodynamic stability) performed at Invitae indicates that this missense variant is expected to disrupt STAG2 protein function with a positive predictive value of 80%. Algorithms developed to predict the effect of sequence changes on RNA splicing suggest that this variant may create or strengthen a splice site. In summary, the available evidence is currently insufficient to determine the role of this variant in disease. Therefore, it has been classified as a Variant of Uncertain Significance.

GeneDx
Classification: Uncertain significance. Last evaluated: 2023-07-20. Review status: criteria provided, single submitter. Criteria: GeneDx Variant Classification Process June 2021. Collection method: clinical testing. Allele origin: germline. Affected: yes.
Comment: In silico analysis supports that this missense variant has a deleterious effect on protein structure/function; In silico analysis supports that this missense variant has a deleterious effect on splicing; Has not been previously published as pathogenic or benign to our knowledge

NM_001042750.2(STAG2):c.1283C>G (p.Ala428Gly)

Gene: STAG2 (STAG2 cohesin complex component; plus strand). Cytogenetic location: Xq25.
Variant type: single nucleotide variant.
Coding change: c.1283C>G on transcript NM_001042750.2 (MANE Select); coding-DNA position 1283, C replaced by G.
Protein change: p.Ala428Gly; replaces alanine 428 with glycine.
Molecular consequence: missense variant.
Genome position (GRCh38, 1-based): chrX:124,056,214, C>G. VCF-style: chrX-124056214-C-G. GRCh37 (hg19) VCF-style: chrX-123190064-C-G.
Other names: c.1283C>G, p.Ala428Gly (NM_001042749.2, NM_001042751.2, NM_001282418.2 and 13 more transcripts); short protein forms A428G.
Identifiers: ClinVar variation 3360794 (VCV003360794.3).
Genomic context (GRCh38, chrX:124,056,214, plus strand): 5'-AAGATTGTGAAAATGTCTATCATCTGGTTTATTCAGCTCACCGGCCAGTAGCAGTAGCAG[C>G]TGGAGAATTTCTCTACAAAAAGTAAATCTATATATCTGTTACTCATTTTCTAAGGCATAC-3'
Protein context (NP_001036215.1, residues 418-438): YSAHRPVAVA[Ala428Gly]GEFLYKKLFS